The following is an entry in ClinVar:

ClinVar aggregate classification (germline): Conflicting classifications of pathogenicity. Review status: criteria provided, conflicting classifications (1 of 4 stars). 3 submissions from 3 submitters: Uncertain significance (2); Likely benign (1). Last evaluated 2025-08-24.

Conditions:
Charcot-Marie-Tooth disease axonal type 2O. Also called: CHARCOT-MARIE-TOOTH NEUROPATHY, AXONAL, TYPE 2O; CHARCOT-MARIE-TOOTH DISEASE, AXONAL, AUTOSOMAL DOMINANT, TYPE 2O; Charcot-Marie-Tooth Neuropathy Type 2O; Charcot-Marie-Tooth disease, axonal, type 20. Identifiers: Orphanet 284232, MedGen C3280220, MONDO:0013644, OMIM 614228.
Inborn genetic diseases. Identifiers: MedGen C0950123, MeSH D030342.

Allele frequency attached by ClinVar (database versions not stated): gnomAD exomes below 0.00001; ExAC 0.00001; gnomAD 0.00001; TOPMed 0.00003.
gnomAD v4.1: 4 of 1,614,068 alleles (0.00025%); highest among the groups gnomAD compares: South Asian, 0.0011%; no homozygotes.

Submissions (3):

Labcorp Genetics (formerly Invitae), Labcorp
Classification: Uncertain significance for Charcot-Marie-Tooth disease axonal type 2O. Last evaluated: 2025-08-24. Review status: criteria provided, single submitter. Criteria: Invitae Variant Classification Sherloc (09022015). Collection method: clinical testing. Allele origin: germline.
Comment: This sequence change falls in intron 47 of the DYNC1H1 gene. It does not directly change the encoded amino acid sequence of the DYNC1H1 protein. It affects a nucleotide within the consensus splice site. This variant is not present in population databases (gnomAD no frequency). This variant has not been reported in the literature in individuals affected with DYNC1H1-related conditions. ClinVar contains an entry for this variant (Variation ID: 1520161). Variants that disrupt the consensus splice site are a relatively common cause of aberrant splicing (PMID: 17576681, 9536098). Algorithms developed to predict the effect of sequence changes on RNA splicing suggest that this variant is not likely to affect RNA splicing. In summary, the available evidence is currently insufficient to determine the role of this variant in disease. Therefore, it has been classified as a Variant of Uncertain Significance.

CeGaT Center for Human Genetics Tuebingen
Classification: Likely benign. Last evaluated: 2024-09-01. Review status: criteria provided, single submitter. Criteria: CeGaT Center For Human Genetics Tuebingen Variant Classification Criteria Version 2. Collection method: clinical testing. Allele origin: germline. Affected: yes. Observed: 1 variant allele.
Comment: DYNC1H1: BP4

Ambry Genetics
Classification: Uncertain significance for Inborn genetic diseases. Last evaluated: 2019-08-26. Review status: criteria provided, single submitter. Criteria: Ambry Variant Classification Scheme 2023. Collection method: clinical testing. Allele origin: germline.
Comment: The c.9263+3A>G intronic variant results from an A to G substitution 3 nucleotides after coding exon 47 in the DYNC1H1 gene. This nucleotide position is not well conserved in available vertebrate species. Using the BDGP and ESEfinder splice site prediction tools, this alteration is not predicted to have any significant effect on this splice donor site; however, direct evidence is unavailable. Since supporting evidence is limited at this time, the clinical significance of this alteration remains unclear.

Literature cited by the submitters: PubMed 17576681 (cited by Labcorp Genetics (formerly Invitae), Labcorp); PubMed 9536098 (cited by Labcorp Genetics (formerly Invitae), Labcorp).

NM_001376.5(DYNC1H1):c.9263+3A>G

Genes: DYNC1H1 (dynein cytoplasmic 1 heavy chain 1; plus strand), LOC126862060 (BRD4-independent group 4 enhancer GRCh37_chr14:102493659-102494858; plus strand). Cytogenetic location: 14q32.31.
Variant type: single nucleotide variant.
Coding change: c.9263+3A>G on transcript NM_001376.5 (MANE Select); 3 bases into the intron after coding-DNA position 9263, A replaced by G.
Molecular consequence: intron variant.
Genome position (GRCh38, 1-based): chr14:102,027,836, A>G. VCF-style: chr14-102027836-A-G. GRCh37 (hg19) VCF-style: chr14-102494173-A-G.
Identifiers: ClinVar variation 1520161 (VCV001520161.22), dbSNP rs751390841, ClinGen allele CA7353183.